The following is an entry in ClinVar:

NM_001401501.2(MUC16):c.11271A>G (p.Thr3757=)

Gene: MUC16 (mucin 16, cell surface associated; minus strand). Cytogenetic location: 19p13.2.
Variant type: single nucleotide variant.
Coding change: c.11271A>G on transcript NM_001401501.2 (MANE Select); coding-DNA position 11271, A replaced by G.
Protein change: p.Thr3757=; no amino-acid change (threonine 3757 retained).
Molecular consequence: synonymous variant.
Genome position (GRCh38, 1-based): chr19:8,965,619, T>C on the plus strand (A>G on the coding strand, the complement: MUC16 is on the minus strand). VCF-style: chr19-8965619-T-C. GRCh37 (hg19) VCF-style: chr19-9076295-T-C.
Other names: c.11697A>G, p.Thr3899= (NM_001414686.1); c.11151A>G, p.Thr3717= (NM_001414687.1, NM_024690.2).
Identifiers: ClinVar variation 3046324 (VCV003046324.2), dbSNP rs771271657, ClinGen allele CA9171311.

ClinVar aggregate classification (germline): Likely benign (0 of 4 stars; one submission).

Conditions:
MUC16-related disorder. Also called: MUC16-related condition.

Allele frequency attached by ClinVar (database versions not stated): gnomAD exomes below 0.00001; ExAC 0.00001.

Submission:

PreventionGenetics, part of Exact Sciences
Classification: Likely benign for MUC16-related condition. Last evaluated: 2022-04-01. Review status: no assertion criteria provided. Collection method: clinical testing. Allele origin: germline.
Comment: This variant is classified as likely benign based on ACMG/AMP sequence variant interpretation guidelines (Richards et al. 2015 PMID: 25741868, with internal and published modifications).